The following is an entry in ClinVar:

NM_000821.7(GGCX):c.269G>A (p.Arg90Gln)

Gene: GGCX (gamma-glutamyl carboxylase; minus strand). Cytogenetic location: 2p11.2.
Variant type: single nucleotide variant.
Coding change: c.269G>A on transcript NM_000821.7 (MANE Select); coding-DNA position 269, G replaced by A.
Protein change: p.Arg90Gln; replaces arginine 90 with glutamine.
Molecular consequence: missense variant.
Genome position (GRCh38, 1-based): chr2:85,559,021, C>T on the plus strand (G>A on the coding strand, the complement: GGCX is on the minus strand). VCF-style: chr2-85559021-C-T. GRCh37 (hg19) VCF-style: chr2-85786144-C-T.
Other names: c.98G>A, p.Arg33Gln (NM_001142269.4); c.269G>A, p.Arg90Gln (NM_001311312.3); short protein forms R33Q, R90Q.
Identifiers: ClinVar variation 895111 (VCV000895111.9), dbSNP rs753656195, ClinGen allele CA1742177.
Genomic context (GRCh38, chr2:85,559,021, plus strand): 5'-AGTGGGCGTAGGGCATCCAGCAAGGGGAAGCGGCACACATCCAGCCCATCAAGGTATTTC[C>T]GGTCCAGAGAGCTGAGCCCCCGCTCCTGGGGAATGTCTAGCACCATCAAGAACCCTAAGA-3'
Protein context (NP_000812.2, residues 80-100): PQERGLSSLD[Arg90Gln]KYLDGLDVCR

ClinVar aggregate classification (germline): Uncertain significance. Review status: criteria provided, multiple submitters, no conflicts (2 of 4 stars). 3 submissions from 3 submitters: Uncertain significance (3). Last evaluated 2025-11-05.

Conditions:
Inborn genetic diseases. Identifiers: MedGen C0950123, MeSH D030342.
Vitamin K-dependent clotting factors, combined deficiency of, type 1. Also called: FACTORS II, VII, IX, AND X, COMBINED DEFICIENCY OF; FAMILIAL MULTIPLE COAGULATION FACTOR DEFICIENCY III; FMFD III; GLUTAMIC ACID, DEFICIENT GAMMA-CARBOXYLATION OF; MULTIPLE COAGULATION FACTOR DEFICIENCY III; VITAMIN K-DEPENDENT COAGULATION DEFECT. Identifiers: Orphanet 98434, MedGen C1848534, MONDO:0010187, OMIM 277450.

Allele frequency attached by ClinVar (database versions not stated): ExAC 0.00001; gnomAD exomes 0.00001; TOPMed 0.00001.
gnomAD v4.1: 15 of 1,613,974 alleles (0.00093%); highest among the groups gnomAD compares: East Asian, 0.0045%; no homozygotes.

Submissions (3):

Labcorp Genetics (formerly Invitae), Labcorp
Classification: Uncertain significance. Last evaluated: 2025-11-05. Review status: criteria provided, single submitter. Criteria: Invitae Variant Classification Sherloc (09022015). Collection method: clinical testing. Allele origin: germline.
Comment: This sequence change replaces arginine, which is basic and polar, with glutamine, which is neutral and polar, at codon 90 of the GGCX protein (p.Arg90Gln). This variant is present in population databases (rs753656195, gnomAD 0.006%). This variant has not been reported in the literature in individuals affected with GGCX-related conditions. ClinVar contains an entry for this variant (Variation ID: 895111). Invitae Evidence Modeling of protein sequence and biophysical properties (such as structural, functional, and spatial information, amino acid conservation, physicochemical variation, residue mobility, and thermodynamic stability) indicates that this missense variant is not expected to disrupt GGCX protein function with a negative predictive value of 80%. In summary, the available evidence is currently insufficient to determine the role of this variant in disease. Therefore, it has been classified as a Variant of Uncertain Significance.

Ambry Genetics
Classification: Uncertain significance for Inborn genetic diseases. Last evaluated: 2025-05-14. Review status: criteria provided, single submitter. Criteria: Ambry Variant Classification Scheme 2023. Collection method: clinical testing. Allele origin: germline.

Illumina Laboratory Services, Illumina
Classification: Uncertain significance for Vitamin K-dependent clotting factors, combined deficiency of, type 1. Last evaluated: 2018-01-13. Review status: criteria provided, single submitter. Criteria: ICSL Variant Classification Criteria 13 December 2019. Collection method: clinical testing. Allele origin: germline.